The following is an entry in ClinVar:

ClinVar aggregate classification (germline): Uncertain significance. Review status: criteria provided, multiple submitters, no conflicts (2 of 4 stars). 2 submissions from 2 submitters: Uncertain significance (2). Last evaluated 2025-02-20.

Conditions:
Inborn genetic diseases. Identifiers: MedGen C0950123, MeSH D030342.

Submissions (2):

Ambry Genetics
Classification: Uncertain significance for Inborn genetic diseases. Last evaluated: 2025-02-20. Review status: criteria provided, single submitter. Criteria: Ambry Variant Classification Scheme 2023. Collection method: clinical testing. Allele origin: germline.

Labcorp Genetics (formerly Invitae), Labcorp
Classification: Uncertain significance. Last evaluated: 2023-01-13. Review status: criteria provided, single submitter. Criteria: Invitae Variant Classification Sherloc (09022015). Collection method: clinical testing. Allele origin: germline.
Comment: In summary, the available evidence is currently insufficient to determine the role of this variant in disease. Therefore, it has been classified as a Variant of Uncertain Significance. Algorithms developed to predict the effect of missense changes on protein structure and function output the following: SIFT: "Tolerated"; PolyPhen-2: "Benign"; Align-GVGD: "Class C0". The alanine amino acid residue is found in multiple mammalian species, which suggests that this missense change does not adversely affect protein function. This variant has not been reported in the literature in individuals affected with REST-related conditions. This variant is not present in population databases (gnomAD no frequency). This sequence change replaces valine, which is neutral and non-polar, with alanine, which is neutral and non-polar, at codon 979 of the REST protein (p.Val979Ala).

NM_005612.5(REST):c.2936T>C (p.Val979Ala)

Gene: REST (RE1 silencing transcription factor; plus strand). Cytogenetic location: 4q12.
Variant type: single nucleotide variant.
Coding change: c.2936T>C on transcript NM_005612.5 (MANE Select); coding-DNA position 2936, T replaced by C.
Protein change: p.Val979Ala; replaces valine 979 with alanine.
Molecular consequence: missense variant.
Genome position (GRCh38, 1-based): chr4:56,931,794, T>C. VCF-style: chr4-56931794-T-C. GRCh37 (hg19) VCF-style: chr4-57797960-T-C.
Other names: c.2936T>C, p.Val979Ala (NM_001193508.2, NM_001363453.3); short protein forms V979A.
Identifiers: ClinVar variation 2897231 (VCV002897231.4), dbSNP rs2475854854, ClinGen allele CA357009853.